The following is an entry in ClinVar:

NM_007188.5(ABCB8):c.370C>G (p.Leu124Val)

Gene: ABCB8 (ATP binding cassette subfamily B member 8; plus strand). Cytogenetic location: 7q36.1.
Variant type: single nucleotide variant.
Coding change: c.370C>G on transcript NM_007188.5 (MANE Select); coding-DNA position 370, C replaced by G.
Protein change: p.Leu124Val; replaces leucine 124 with valine.
Molecular consequence: missense variant. On other transcripts: intron variant (1).
Genome position (GRCh38, 1-based): chr7:151,033,879, C>G. VCF-style: chr7-151033879-C-G. GRCh37 (hg19) VCF-style: chr7-150730966-C-G.
Other names: c.421C>G, p.Leu141Val (NM_001282291.2); c.370C>G, p.Leu124Val (NM_001282292.2); c.145-394C>G (NM_001282293.2); short protein forms L124V, L141V.
Identifiers: ClinVar variation 774196 (VCV000774196.25), dbSNP rs117793104, ClinGen allele CA4568854.
Genomic context (GRCh38, chr7:151,033,879, plus strand): 5'-GCCAGCTCCACACCCCATGTCGTGGGGTCTCGCTTTAACTGGAAGCTCTTCTGGCAGTTT[C>G]TGCACCCCCACCTGCTGGTCCTGGGGGTAGCCGTCGTGGTGAGGCTTTCCCCACTTCTCC-3'
Protein context (NP_009119.2, residues 114-134): RFNWKLFWQF[Leu124Val]HPHLLVLGVA

ClinVar aggregate classification (germline): Benign. Review status: criteria provided, multiple submitters, no conflicts (2 of 4 stars). 3 submissions from 3 submitters: Benign (3). Last evaluated 2024-03-01.

Allele frequency attached by ClinVar (database versions not stated): 1000 Genomes Project 0.00260; 1000 Genomes Project 30x 0.00265; TOPMed 0.00670; ESP Exome Variant Server 0.00746; gnomAD 0.00749.

Submissions (3):

CeGaT Center for Human Genetics Tuebingen
Classification: Benign. Last evaluated: 2024-03-01. Review status: criteria provided, single submitter. Criteria: CeGaT Center For Human Genetics Tuebingen Variant Classification Criteria Version 2. Collection method: clinical testing. Allele origin: germline. Affected: yes. Observed: 1 variant allele.
Comment: ABCB8: BS1, BS2

Labcorp Genetics (formerly Invitae), Labcorp
Classification: Benign. Last evaluated: 2018-01-30. Review status: criteria provided, single submitter. Criteria: Invitae Variant Classification Sherloc (09022015). Collection method: clinical testing. Allele origin: germline.

Breakthrough Genomics
Classification: Benign. Review status: criteria provided, single submitter. Criteria: ACMG Guidelines, 2015. Collection method: not provided. Allele origin: germline. Inheritance: Unknown mechanism. Affected: yes.